The following is an entry in ClinVar:

ClinVar aggregate classification (germline): Likely pathogenic. Review status: criteria provided, multiple submitters, no conflicts (2 of 4 stars). 2 submissions from 2 submitters: Likely pathogenic (2). Last evaluated 2024-02-07.

Conditions:
Baller-Gerold syndrome (BGS). Also called: CRANIOSYNOSTOSIS WITH RADIAL DEFECTS. Identifiers: Orphanet 1225, MedGen C0265308, MONDO:0009039, OMIM 218600.

Submissions (2):

Baylor Genetics
Classification: Likely pathogenic for Baller-Gerold syndrome. Last evaluated: 2024-02-07. Review status: criteria provided, single submitter. Criteria: ACMG Guidelines, 2015. Collection method: clinical testing. Allele origin: unknown.

Labcorp Genetics (formerly Invitae), Labcorp
Classification: Likely pathogenic for Baller-Gerold syndrome. Last evaluated: 2023-08-24. Review status: criteria provided, single submitter. Criteria: Invitae Variant Classification Sherloc (09022015). Collection method: clinical testing. Allele origin: germline.
Comment: This variant is not present in population databases (gnomAD no frequency). In summary, the currently available evidence indicates that the variant is pathogenic, but additional data are needed to prove that conclusively. Therefore, this variant has been classified as Likely Pathogenic. Algorithms developed to predict the effect of sequence changes on RNA splicing suggest that this variant may disrupt the consensus splice site. ClinVar contains an entry for this variant (Variation ID: 1521183). Disruption of this splice site has been observed in individual(s) with Rothmund-Thomson syndrome (PMID: 17372760). This sequence change affects an acceptor splice site in intron 10 of the RECQL4 gene. It is expected to disrupt RNA splicing. Variants that disrupt the donor or acceptor splice site typically lead to a loss of protein function (PMID: 16199547), and loss-of-function variants in RECQL4 are known to be pathogenic (PMID: 12734318, 12952869).

Literature cited by the submitters: PubMed 17372760 (cited by Labcorp Genetics (formerly Invitae), Labcorp); PubMed 16199547 (cited by Labcorp Genetics (formerly Invitae), Labcorp); PubMed 12734318 (cited by Labcorp Genetics (formerly Invitae), Labcorp); PubMed 12952869 (cited by Labcorp Genetics (formerly Invitae), Labcorp).

NM_004260.4(RECQL4):c.1705-1G>C

Gene: RECQL4 (RecQ like helicase 4; minus strand). Cytogenetic location: 8q24.3.
Variant type: single nucleotide variant.
Coding change: c.1705-1G>C on transcript NM_004260.4 (MANE Select); the canonical splice acceptor site of the intron before coding-DNA position 1705, G replaced by C.
Molecular consequence: splice acceptor variant. On other transcripts: intron variant (3).
Genome position (GRCh38, 1-based): chr8:144,514,363, C>G on the plus strand (G>C on the coding strand, the complement: RECQL4 is on the minus strand). VCF-style: chr8-144514363-C-G. GRCh37 (hg19) VCF-style: chr8-145739747-C-G.
Other names: c.1576-1G>C (NM_001413025.1); c.1354-1G>C (NM_001413029.1); c.568-1G>C (NM_001413032.1, NM_001413027.1, NM_001413030.1 and 1 more transcripts); c.634-1G>C (NM_001413035.1, NM_001413040.1, NM_001413021.1 and 6 more transcripts); c.1609-1G>C (NM_001413017.1, NM_001413020.1); c.1675-1G>C (NM_001413039.1); c.1704+79G>C (NM_001413033.1); c.1705-1G>C (NM_001413018.1, NM_001413036.1, NM_001413019.1); and 4 more.
Identifiers: ClinVar variation 1521183 (VCV001521183.7), dbSNP rs569948031, ClinGen allele CA372681349.